The following is an entry in ClinVar:

NM_198334.3(GANAB):c.1129C>T (p.Arg377Trp)

Gene: GANAB (glucosidase II alpha subunit; minus strand). Cytogenetic location: 11q12.3.
Variant type: single nucleotide variant.
Coding change: c.1129C>T on transcript NM_198334.3 (MANE Select); coding-DNA position 1129, C replaced by T.
Protein change: p.Arg377Trp; replaces arginine 377 with tryptophan.
Molecular consequence: missense variant.
Genome position (GRCh38, 1-based): chr11:62,631,051, G>A on the plus strand (C>T on the coding strand, the complement: GANAB is on the minus strand). VCF-style: chr11-62631051-G-A. GRCh37 (hg19) VCF-style: chr11-62398523-G-A.
Other names: c.853C>T, p.Arg285Trp (NM_001278192.2); c.787C>T, p.Arg263Trp (NM_001278193.2); c.838C>T, p.Arg280Trp (NM_001278194.2, NM_001329222.2, NM_001329223.2); c.406C>T, p.Arg136Trp (NM_001329224.2, NM_001329225.2); c.1195C>T, p.Arg399Trp (NM_198335.4); short protein forms R263W, R280W, R377W, R136W, R285W, R399W.
Identifiers: ClinVar variation 1919650 (VCV001919650.6), dbSNP rs565432457, ClinGen allele CA6050860.

ClinVar aggregate classification (germline): Uncertain significance. Review status: criteria provided, multiple submitters, no conflicts (2 of 4 stars). 2 submissions from 2 submitters: Uncertain significance (2). Last evaluated 2024-03-21.

Conditions:
Polycystic kidney disease 3 with or without polycystic liver disease. Also called: Polycystic kidney disease 3; POLYCYSTIC KIDNEY DISEASE, ADULT, TYPE III; Polycystic Kidney and/or Polycystic Liver Disease 3. Identifiers: MedGen C3887964, MONDO:0010916, OMIM 600666.

Allele frequency attached by ClinVar (database versions not stated): ExAC 0.00001; gnomAD exomes 0.00001; gnomAD 0.00004; TOPMed 0.00004.
gnomAD v4.1: 15 of 1,607,454 alleles (0.00093%); highest among the groups gnomAD compares: African/African-American, 0.0067%; no homozygotes.

Submissions (2):

Fulgent Genetics
Classification: Uncertain significance for Polycystic kidney disease 3 with or without polycystic liver disease. Last evaluated: 2024-03-21. Review status: criteria provided, single submitter. Criteria: ACMG Guidelines, 2015. Collection method: clinical testing. Allele origin: germline.

Labcorp Genetics (formerly Invitae), Labcorp
Classification: Uncertain significance. Last evaluated: 2022-09-22. Review status: criteria provided, single submitter. Criteria: Invitae Variant Classification Sherloc (09022015). Collection method: clinical testing. Allele origin: germline.
Comment: In summary, the available evidence is currently insufficient to determine the role of this variant in disease. Therefore, it has been classified as a Variant of Uncertain Significance. Advanced modeling of protein sequence and biophysical properties (such as structural, functional, and spatial information, amino acid conservation, physicochemical variation, residue mobility, and thermodynamic stability) has been performed at Invitae for this missense variant, however the output from this modeling did not meet the statistical confidence thresholds required to predict the impact of this variant on GANAB protein function. This variant has not been reported in the literature in individuals affected with GANAB-related conditions. This variant is present in population databases (rs565432457, gnomAD 0.005%). This sequence change replaces arginine, which is basic and polar, with tryptophan, which is neutral and slightly polar, at codon 399 of the GANAB protein (p.Arg399Trp).